The following is an entry in ClinVar:

ClinVar aggregate classification (germline): Uncertain significance (1 of 4 stars; one submission).

Conditions:
Early-infantile DEE. Also called: Ohtahara syndrome; Early infantile epileptic encephalopathy with suppression bursts; Early infantile epileptic encephalopathy. Identifiers: Orphanet 1934, MedGen C0393706, MONDO:0800491.

Allele frequency attached by ClinVar (database versions not stated): gnomAD exomes below 0.00001; gnomAD 0.00001; TOPMed 0.00002.
gnomAD v4.1: 2 of 1,613,012 alleles (0.00012%); highest among the groups gnomAD compares: African/African-American, 0.0013%; no homozygotes.

Submission:

Labcorp Genetics (formerly Invitae), Labcorp
Classification: Uncertain significance for Early-infantile DEE. Last evaluated: 2024-02-17. Review status: criteria provided, single submitter. Criteria: Invitae Variant Classification Sherloc (09022015). Collection method: clinical testing. Allele origin: germline.
Comment: This sequence change replaces threonine, which is neutral and polar, with alanine, which is neutral and non-polar, at codon 956 of the CACNA2D2 protein (p.Thr956Ala). This variant is present in population databases (rs762542107, gnomAD 0.01%). This variant has not been reported in the literature in individuals affected with CACNA2D2-related conditions. ClinVar contains an entry for this variant (Variation ID: 1041722). An algorithm developed to predict the effect of missense changes on protein structure and function (PolyPhen-2) suggests that this variant is likely to be tolerated. In summary, the available evidence is currently insufficient to determine the role of this variant in disease. Therefore, it has been classified as a Variant of Uncertain Significance.

NM_006030.4(CACNA2D2):c.2866A>G (p.Thr956Ala)

Genes: CACNA2D2 (calcium voltage-gated channel auxiliary subunit alpha2delta 2; minus strand), LOC101928965 (uncharacterized LOC101928965; plus strand), LOC127898564 (CYB561D2-LOC101928965; plus strand). Cytogenetic location: 3p21.31.
Variant type: single nucleotide variant.
Coding change: c.2866A>G on transcript NM_006030.4 (MANE Select); coding-DNA position 2866, A replaced by G.
Protein change: p.Thr956Ala; replaces threonine 956 with alanine.
Molecular consequence: missense variant.
Genome position (GRCh38, 1-based): chr3:50,365,859, T>C on the plus strand (A>G on the coding strand, the complement: CACNA2D2 is on the minus strand). VCF-style: chr3-50365859-T-C. GRCh37 (hg19) VCF-style: chr3-50403290-T-C.
Other names: c.2866A>G, p.Thr956Ala (NM_001005505.3); c.2887A>G, p.Thr963Ala (NM_001174051.3); c.2659A>G, p.Thr887Ala (NM_001291101.1); short protein forms T887A, T956A, T963A.
Identifiers: ClinVar variation 1041722 (VCV001041722.5), dbSNP rs762542107, ClinGen allele CA74606981.
Genomic context (GRCh38, chr3:50,365,859, plus strand): 5'-TCAGGACTCACCAGGCGGCAGCAGAGGTCCACCAGGCCAGGTTAAGGAAATCTGCAACGG[T>C]GGGCTGCAGTGGAGAGAGGGGCGTGGACTGCCACTGCTGCCCCTCGCCCTAGGTCACCCC-3'
Protein context (NP_006021.2, residues 946-966): GAAPRGVFVP[Thr956Ala]VADFLNLAWW